The following is an entry in ClinVar:

ClinVar aggregate classification (germline): Conflicting classifications of pathogenicity. Review status: criteria provided, conflicting classifications (1 of 4 stars). 2 submissions from 2 submitters: Likely pathogenic (1); Uncertain significance (1). Last evaluated 2025-05-02.

Conditions:
Alagille syndrome due to a NOTCH2 point mutation. Also called: Alagille syndrome 2. Identifiers: Orphanet 261629, Orphanet 52, MedGen C1857761, MONDO:0012439, OMIM 610205.
Hajdu-Cheney syndrome (HJCYS). Also called: ACROOSTEOLYSIS WITH OSTEOPOROSIS AND CHANGES IN SKULL AND MANDIBLE; Acroosteolysis dominant type; SERPENTINE FIBULA-POLYCYSTIC KIDNEY SYNDROME. Identifiers: Orphanet 955, MedGen C0917715, MONDO:0007057, OMIM 102500.

Submissions (2):

Labcorp Genetics (formerly Invitae), Labcorp
Classification: Likely pathogenic for Hajdu-Cheney syndrome. Last evaluated: 2025-05-02. Review status: criteria provided, single submitter. Criteria: Invitae Variant Classification Sherloc (09022015). Collection method: clinical testing. Allele origin: germline.
Comment: This sequence change affects an acceptor splice site in intron 10 of the NOTCH2 gene. It is expected to disrupt RNA splicing. Variants that disrupt the donor or acceptor splice site typically lead to a loss of protein function (PMID: 16199547), and loss-of-function variants in NOTCH2 are known to be pathogenic (PMID: 16773578, 22209762). This variant is not present in population databases (gnomAD no frequency). This variant has not been reported in the literature in individuals affected with NOTCH2-related conditions. ClinVar contains an entry for this variant (Variation ID: 3238818). Algorithms developed to predict the effect of sequence changes on RNA splicing suggest that this variant may disrupt the consensus splice site. In summary, the currently available evidence indicates that the variant is pathogenic, but additional data are needed to prove that conclusively. Therefore, this variant has been classified as Likely Pathogenic.

Baylor Genetics
Classification: Uncertain significance for Alagille syndrome due to a NOTCH2 point mutation. Last evaluated: 2024-03-21. Review status: criteria provided, single submitter. Criteria: ACMG Guidelines, 2015. Collection method: clinical testing. Allele origin: unknown.

Literature cited by the submitters: PubMed 16199547 (cited by Labcorp Genetics (formerly Invitae), Labcorp); PubMed 16773578 (cited by Labcorp Genetics (formerly Invitae), Labcorp); PubMed 22209762 (cited by Labcorp Genetics (formerly Invitae), Labcorp).

NM_024408.4(NOTCH2):c.1682-1G>A

Gene: NOTCH2 (notch receptor 2; minus strand). Cytogenetic location: 1p12.
Variant type: single nucleotide variant.
Coding change: c.1682-1G>A on transcript NM_024408.4 (MANE Select); the canonical splice acceptor site of the intron before coding-DNA position 1682, G replaced by A.
Molecular consequence: splice acceptor variant.
Genome position (GRCh38, 1-based): chr1:119,963,808, C>T on the plus strand (G>A on the coding strand, the complement: NOTCH2 is on the minus strand). VCF-style: chr1-119963808-C-T. GRCh37 (hg19) VCF-style: chr1-120506431-C-T.
Other names: c.1682-1G>A (NM_001200001.2).
Identifiers: ClinVar variation 3238818 (VCV003238818.2), dbSNP rs2101137614.